The following is an entry in ClinVar:

NM_015087.5(SPART):c.1440G>A (p.Ala480=)

Gene: SPART (spartin; minus strand). Cytogenetic location: 13q13.3.
Variant type: single nucleotide variant.
Coding change: c.1440G>A on transcript NM_015087.5 (MANE Select); coding-DNA position 1440, G replaced by A.
Protein change: p.Ala480=; no amino-acid change (alanine 480 retained).
Molecular consequence: synonymous variant.
Genome position (GRCh38, 1-based): chr13:36,314,270, C>T on the plus strand (G>A on the coding strand, the complement: SPART is on the minus strand). VCF-style: chr13-36314270-C-T. GRCh37 (hg19) VCF-style: chr13-36888407-C-T.
Other names: c.1440G>A, p.Ala480= (NM_001142294.2, NM_001142295.2, NM_001142296.2).
Identifiers: ClinVar variation 3040043 (VCV003040043.4), dbSNP rs148768089, ClinGen allele CA6949391.

ClinVar aggregate classification (germline): Likely benign. Review status: criteria provided, single submitter (1 of 4 stars). 2 submissions from 2 submitters: Likely benign (1). 1 of the submissions does not count toward it. Last evaluated 2025-01-13.

Conditions:
SPART-related disorder. Also called: SPART-related condition.

Allele frequency attached by ClinVar (database versions not stated): ExAC 0.00004; ESP Exome Variant Server 0.00008; gnomAD 0.00009; TOPMed 0.00010.
gnomAD v4.1: 105 of 1,613,976 alleles (0.0065%); highest among the groups gnomAD compares: African/African-American, 0.02%; no homozygotes.

Submissions (2):

Labcorp Genetics (formerly Invitae), Labcorp
Classification: Likely benign. Last evaluated: 2025-01-13. Review status: criteria provided, single submitter. Criteria: Invitae Variant Classification Sherloc (09022015). Collection method: clinical testing. Allele origin: germline.

PreventionGenetics, part of Exact Sciences
Classification: Likely benign for SPART-related condition. Last evaluated: 2023-11-01. Review status: no assertion criteria provided. Collection method: clinical testing. Allele origin: germline. Not counted in ClinVar's aggregate classification.
Comment: This variant is classified as likely benign based on ACMG/AMP sequence variant interpretation guidelines (Richards et al. 2015 PMID: 25741868, with internal and published modifications).